The following is an entry in ClinVar:

NM_000145.4(FSHR):c.2039G>A (p.Ser680Asn)

Gene: FSHR (follicle stimulating hormone receptor; minus strand). Cytogenetic location: 2p16.3.
Variant type: single nucleotide variant.
Coding change: c.2039G>A on transcript NM_000145.4 (MANE Select); coding-DNA position 2039, G replaced by A.
Protein change: p.Ser680Asn; replaces serine 680 with asparagine.
Molecular consequence: missense variant.
Genome position (GRCh38, 1-based): chr2:48,962,782, C>T on the plus strand (G>A on the coding strand, the complement: FSHR is on the minus strand). VCF-style: chr2-48962782-C-T. GRCh37 (hg19) VCF-style: chr2-49189921-C-T.
Other names: N680S; c.1961G>A, p.Ser654Asn (NM_181446.3); short protein forms S654N, S680N.
Identifiers: ClinVar variation 16247 (VCV000016247.11), dbSNP rs6166, ClinGen allele CA126306.

ClinVar aggregate classification (germline): Benign. Review status: criteria provided, multiple submitters, no conflicts (2 of 4 stars). 9 submissions from 7 submitters: Benign (8). 1 of the submissions does not count toward it. Last evaluated 2024-11-26.

Conditions:
Ovarian hyperstimulation syndrome (OHSS). Also called: OVARIAN HYPERSTIMULATION SYNDROME, FAMILIAL GESTATIONAL SPONTANEOUS. Identifiers: Orphanet 64739, MedGen C0085083, MONDO:0011972, OMIM 608115.
Ovarian dysgenesis 1 (ODG1). Also called: Gonadal dysgenesis XX type deafness; GONADAL DYSGENESIS, XX TYPE; OVARIAN DYSGENESIS, HYPERGONADOTROPIC, AUTOSOMAL RECESSIVE; OVARIAN DYSGENESIS, HYPERGONADOTROPIC, WITH NORMAL KARYOTYPE; OVARIAN FAILURE, HYPERGONADOTROPIC. Identifiers: Orphanet 243, MedGen C0949595, MONDO:0024463, OMIM 233300.

Allele frequency attached by ClinVar (database versions not stated): gnomAD exomes 0.55689 and 0.57448; gnomAD 0.56644 and 0.56813; ExAC 0.57268; TOPMed 0.57394; 1000 Genomes Project 0.59265; 1000 Genomes Project 30x 0.59619.
gnomAD v4.1: 900,176 of 1,613,272 alleles (56%); highest among the groups gnomAD compares: East Asian, 66%; 252,236 homozygotes.

Submissions (9):

Blueprint Genetics
Classification: Benign. Last evaluated: 2024-11-26. Review status: criteria provided, single submitter. Criteria: ACMG Guidelines, 2015. Collection method: clinical testing. Allele origin: germline.

Genome-Nilou Lab
Classification: Benign for Ovarian dysgenesis 1. Last evaluated: 2021-08-10. Review status: criteria provided, single submitter. Criteria: ACMG Guidelines, 2015. Collection method: clinical testing. Allele origin: germline. Affected: no.

Genome-Nilou Lab
Classification: Benign for Ovarian hyperstimulation syndrome. Last evaluated: 2021-08-10. Review status: criteria provided, single submitter. Criteria: ACMG Guidelines, 2015. Collection method: clinical testing. Allele origin: germline. Affected: no.

Illumina Laboratory Services, Illumina
Classification: Benign for Ovarian dysgenesis 1. Last evaluated: 2017-04-27. Review status: criteria provided, single submitter. Criteria: ICSL Variant Classification Criteria 13 December 2019. Collection method: clinical testing. Allele origin: germline.
Comment: This variant was observed as part of a predisposition screen in an ostensibly healthy population. A literature search was performed for the gene, cDNA change, and amino acid change (where applicable). Publications were found based on this search. The evidence from the literature, in combination with allele frequency data from public databases where available, was sufficient to rule this variant out of causing disease. Therefore, this variant is classified as benign.

Illumina Laboratory Services, Illumina
Classification: Benign for Ovarian hyperstimulation syndrome. Last evaluated: 2017-04-27. Review status: criteria provided, single submitter. Criteria: ICSL Variant Classification Criteria 13 December 2019. Collection method: clinical testing. Allele origin: germline.
Comment: This variant was observed as part of a predisposition screen in an ostensibly healthy population. A literature search was performed for the gene, cDNA change, and amino acid change (where applicable). No publications were found based on this search. Allele frequency data from public databases was too high to be consistent with this variant causing disease. Therefore, this variant is classified as benign.

GeneDx
Classification: Benign. Last evaluated: 2015-03-03. Review status: criteria provided, single submitter. Criteria: GeneDx Variant Classification Process June 2021. Collection method: clinical testing. Allele origin: germline. Affected: yes.
Comment: This variant is associated with the following publications: (PMID: 21269619, 19403562, 20399696, 21546300, 23470615, 23139742, 23413141, 16574671, 25132286, 19550076, 20817169, 20514429, 23536150, 24970684, 24718625, 21680247, 18159088, 15886248, 26905078, 29683332, 28282771, 25526787, 28547204)

Breakthrough Genomics
Classification: Benign. Review status: criteria provided, single submitter. Criteria: ACMG Guidelines, 2015. Collection method: not provided. Allele origin: germline. Inheritance: Autosomal recessive inheritance. Affected: yes.

PreventionGenetics, part of Exact Sciences
Classification: Benign. Review status: criteria provided, single submitter. Criteria: ACMG Guidelines, 2015. Collection method: clinical testing. Allele origin: germline.

OMIM
Classification: Benign for FOLLICLE-STIMULATING HORMONE RECEPTOR POLYMORPHISM. Last evaluated: 2005-08-01. Review status: no assertion criteria provided. Collection method: literature only. Allele origin: germline. Not counted in ClinVar's aggregate classification.

Literature cited by the submitters: PubMed 15886248 (cited by Illumina Laboratory Services, Illumina and OMIM); PubMed 15579795 (cited by OMIM).